The following is an entry in ClinVar:

ClinVar aggregate classification (germline): Uncertain significance (1 of 4 stars; one submission).

Submission:

Labcorp Genetics (formerly Invitae), Labcorp
Classification: Uncertain significance. Last evaluated: 2024-07-27. Review status: criteria provided, single submitter. Criteria: Invitae Variant Classification Sherloc (09022015). Collection method: clinical testing. Allele origin: germline.
Comment: This sequence change replaces alanine, which is neutral and non-polar, with threonine, which is neutral and polar, at codon 135 of the ACTN1 protein (p.Ala135Thr). This variant is not present in population databases (gnomAD no frequency). This variant has not been reported in the literature in individuals affected with ACTN1-related conditions. Advanced modeling of protein sequence and biophysical properties (such as structural, functional, and spatial information, amino acid conservation, physicochemical variation, residue mobility, and thermodynamic stability) performed at Invitae indicates that this missense variant is not expected to disrupt ACTN1 protein function with a negative predictive value of 80%. In summary, the available evidence is currently insufficient to determine the role of this variant in disease. Therefore, it has been classified as a Variant of Uncertain Significance.

NM_001130004.2(ACTN1):c.403G>A (p.Ala135Thr)

Gene: ACTN1 (actinin alpha 1; minus strand). Cytogenetic location: 14q24.1.
Variant type: single nucleotide variant.
Coding change: c.403G>A on transcript NM_001130004.2 (MANE Select); coding-DNA position 403, G replaced by A.
Protein change: p.Ala135Thr; replaces alanine 135 with threonine.
Molecular consequence: missense variant. On other transcripts: 5 prime UTR variant (1).
Genome position (GRCh38, 1-based): chr14:68,912,180, C>T on the plus strand (G>A on the coding strand, the complement: ACTN1 is on the minus strand). VCF-style: chr14-68912180-C-T. GRCh37 (hg19) VCF-style: chr14-69378897-C-T.
Other names: c.403G>A, p.Ala135Thr (NM_001102.4, NM_001130005.2, NM_001411035.1 and 9 more transcripts); c.208G>A, p.Ala70Thr (NM_001411036.1, NM_001424026.1, NM_001424028.1); c.529G>A, p.Ala177Thr (NM_001424013.1); c.490G>A, p.Ala164Thr (NM_001424015.1); c.400G>A, p.Ala134Thr (NM_001424017.1); c.340G>A, p.Ala114Thr (NM_001424018.1, NM_001424020.1, NM_001424022.1); c.334G>A, p.Ala112Thr (NM_001424021.1); c.-508G>A (NM_001424030.1); short protein forms A134T, A135T, A112T, A114T, A164T, A177T, A70T.
Identifiers: ClinVar variation 3688838 (VCV003688838.2).
Genomic context (GRCh38, chr14:68,912,180, plus strand): 5'-ATGGTGATGGCGGGATGGAACAAAGCAGAAACCCACCTTCCACGGAGATGTCCTGGATGG[C>T]AAAGCGCAGGATGATGGTCCAGATCATGCCCAGGGTCATCTTCACATTCCCATCCACGAT-3'
Protein context (NP_001123476.1, residues 125-145): GMIWTIILRF[Ala135Thr]IQDISVEETS